The following is an entry in ClinVar:

ClinVar aggregate classification (germline): Likely pathogenic (1 of 4 stars; one submission).

Conditions:
Atypical hemolytic-uremic syndrome. Identifiers: Orphanet 2134, MedGen C2931788, MONDO:0016244.

Submission:

Genomenon, Inc
Classification: Likely pathogenic for Atypical hemolytic-uremic syndrome. Last evaluated: 2026-09-17. Review status: criteria provided, single submitter. Criteria: Genomenon Sequence Variant Interpretation Standards - Updated. Collection method: curation. Allele origin: germline. Affected: yes.
Comment: CFI p.Cys550Tyr (c.1649G>A) is a missense variant that changes the amino acid at codon 550 from Cysteine to Tyrosine. This variant has been observed in at least one proband affected with atypical hemolytic-uremic syndrome (PMID:25443527). This variant is located in a mutational hotspot and/or important functional domain. It is absent or not present at a significant frequency in gnomAD. In silico models predict that this variant is possibly or probably damaging. In conclusion, we classify CFI p.Cys550Tyr (c.1649G>A) as a likely pathogenic variant.

Literature cited by the submitters: PubMed 25443527.

NM_000204.5(CFI):c.1649G>A (p.Cys550Tyr)

Gene: CFI (complement factor I; minus strand). Cytogenetic location: 4q25.
Variant type: single nucleotide variant.
Coding change: c.1649G>A on transcript NM_000204.5 (MANE Select); coding-DNA position 1649, G replaced by A.
Protein change: p.Cys550Tyr; replaces cysteine 550 with tyrosine.
Molecular consequence: missense variant. On other transcripts: 3 prime UTR variant (2), non-coding transcript variant (3), intron variant (7).
Genome position (GRCh38, 1-based): chr4:109,740,996, C>T on the plus strand (G>A on the coding strand, the complement: CFI is on the minus strand). VCF-style: chr4-109740996-C-T. GRCh37 (hg19) VCF-style: chr4-110662152-C-T.
Other names: c.1673G>A, p.Cys558Tyr (NM_001318057.2); c.1628G>A, p.Cys543Tyr (NM_001331035.2); c.1592G>A, p.Cys531Tyr (NM_001375283.1); c.1040G>A, p.Cys347Tyr (NM_001375284.1); c.1670G>A, p.Cys557Tyr (NM_001440986.1); c.*349G>A (NM_001440989.1, NM_001440991.1); c.1513+1495G>A (NM_001375282.1, NM_001375280.1); c.1534+1495G>A (NM_001375281.1, NM_001375279.1); and 2 more; short protein forms C347Y, C531Y, C543Y, C550Y, C557Y, C558Y.
Identifiers: ClinVar variation 4280444 (VCV004280444.2).